The following is an entry in ClinVar:

ClinVar aggregate classification (germline): Likely benign. Review status: criteria provided, multiple submitters, no conflicts (2 of 4 stars). 3 submissions from 3 submitters: Likely benign (3). Last evaluated 2025-05-04.

Conditions:
Cardiomyopathy (CMYO). Also called: Cardiomyopathies. Identifiers: Orphanet 167848, MedGen C0878544, MONDO:0004994, HP:0001638. Inheritance: Various modes of inheritance.
Hypertrophic cardiomyopathy. Also called: HYPERTROPHIC MYOCARDIOPATHY. Identifiers: Orphanet 217569, MedGen C0007194, MeSH D002312, MONDO:0005045, HP:0001639.

Submissions (3):

Labcorp Genetics (formerly Invitae), Labcorp
Classification: Likely benign for Hypertrophic cardiomyopathy. Last evaluated: 2025-05-04. Review status: criteria provided, single submitter. Criteria: Invitae Variant Classification Sherloc (09022015). Collection method: clinical testing. Allele origin: germline.

All of Us Research Program, National Institutes of Health
Classification: Likely benign for Hypertrophic cardiomyopathy. Last evaluated: 2023-11-20. Review status: criteria provided, single submitter. Criteria: ACMG Guidelines, 2015. Collection method: clinical testing. Allele origin: germline. Inheritance: Autosomal dominant inheritance. Observed: 1 variant allele, 1 heterozygote.
Comment: This study involves interpretation of variants in research participants for the purpose of population health screening. Participant phenotype was not available at the time of variant classification. Additional details can be found in publication PMID: 35346344, PMCID: PMC8962531

Color Diagnostics, LLC DBA Color Health
Classification: Likely benign for Cardiomyopathy. Last evaluated: 2023-11-08. Review status: criteria provided, single submitter. Criteria: ACMG Guidelines, 2015. Collection method: clinical testing. Allele origin: germline.

NM_000256.3(MYBPC3):c.1548G>A (p.Glu516=)

Gene: MYBPC3 (myosin binding protein C3; minus strand). Cytogenetic location: 11p11.2.
Variant type: single nucleotide variant.
Coding change: c.1548G>A on transcript NM_000256.3 (MANE Select); coding-DNA position 1548, G replaced by A.
Protein change: p.Glu516=; no amino-acid change (glutamic acid 516 retained).
Molecular consequence: synonymous variant.
Genome position (GRCh38, 1-based): chr11:47,342,654, C>T on the plus strand (G>A on the coding strand, the complement: MYBPC3 is on the minus strand). VCF-style: chr11-47342654-C-T. GRCh37 (hg19) VCF-style: chr11-47364205-C-T.
Identifiers: ClinVar variation 2899244 (VCV002899244.5), dbSNP rs1595846192, ClinGen allele CA474219792.